The following is an entry in ClinVar:

NM_004612.4(TGFBR1):c.500A>C (p.Asp167Ala)

Gene: TGFBR1 (transforming growth factor beta receptor 1; plus strand). Cytogenetic location: 9q22.33.
Variant type: single nucleotide variant.
Coding change: c.500A>C on transcript NM_004612.4 (MANE Select); coding-DNA position 500, A replaced by C.
Protein change: p.Asp167Ala; replaces aspartic acid 167 with alanine.
Molecular consequence: missense variant. On other transcripts: intron variant (1).
Genome position (GRCh38, 1-based): chr9:99,132,665, A>C. VCF-style: chr9-99132665-A-C. GRCh37 (hg19) VCF-style: chr9-101894947-A-C.
Other names: c.512A>C, p.Asp171Ala (NM_001306210.2); c.343+3565A>C (NM_001130916.3); short protein forms D167A, D171A.
Identifiers: ClinVar variation 408568 (VCV000408568.10), dbSNP rs1060502044, ClinGen allele CA16612909.
Genomic context (GRCh38, chr9:99,132,665, plus strand): 5'-TCTGCCACAACCGCACTGTCATTCACCATCGAGTGCCAAATGAAGAGGACCCTTCATTAG[A>C]TCGCCCTTTTATTTCAGAGGGTACTACGTTGAAAGACTTAATTTATGATATGACAACGTC-3'
Protein context (NP_004603.1, residues 157-177): RVPNEEDPSL[Asp167Ala]RPFISEGTTL

ClinVar aggregate classification (germline): Uncertain significance. Review status: criteria provided, multiple submitters, no conflicts (2 of 4 stars). 2 submissions from 2 submitters: Uncertain significance (2). Last evaluated 2023-05-31.

Conditions:
Familial thoracic aortic aneurysm and aortic dissection (TAAD). Also called: Thoracic aortic aneurysms and dissections. Identifiers: Orphanet 91387, MedGen C4707243, MONDO:0019625.
Loeys-Dietz syndrome (LDS). Identifiers: Orphanet 60030, MedGen C2697932, MONDO:0018954.

Submissions (2):

All of Us Research Program, National Institutes of Health
Classification: Uncertain significance for Loeys-Dietz syndrome. Last evaluated: 2023-05-31. Review status: criteria provided, single submitter. Criteria: ACMG Guidelines, 2015. Collection method: clinical testing. Allele origin: germline. Inheritance: Autosomal dominant inheritance. Observed: 2 variant alleles, 2 heterozygotes.
Comment: This study involves interpretation of variants in research participants for the purpose of population health screening. Participant phenotype was not available at the time of variant classification. Additional details can be found in publication PMID: 35346344, PMCID: PMC8962531

Labcorp Genetics (formerly Invitae), Labcorp
Classification: Uncertain significance for Familial thoracic aortic aneurysm and aortic dissection. Last evaluated: 2016-07-02. Review status: criteria provided, single submitter. Criteria: Invitae Variant Classification Sherloc (09022015). Collection method: clinical testing. Allele origin: germline.
Comment: This sequence change replaces aspartic acid with alanine at codon 167 of the TGFBR1 protein (p.Asp167Ala). The aspartic acid residue is highly conserved and there is a moderate physicochemical difference between aspartic acid and alanine. This variant is not present in population databases (ExAC no frequency) and has not been reported in the literature in individuals with a TGFBR1-related disease. In summary, this variant is a novel missense change that is not predicted to affect protein function. There is no indication that it causes disease, but the available evidence is currently insufficient to prove that conclusively. Therefore, it has been classified as a Variant of Uncertain Significance. Algorithms developed to predict the effect of missense changes on protein structure and function (SIFT, PolyPhen-2, Align-GVGD) all suggest that this variant is likely to be tolerated, but these predictions have not been confirmed by published functional studies.